The following is an entry in ClinVar:

NM_004260.4(RECQL4):c.1726G>A (p.Val576Met)

Gene: RECQL4 (RecQ like helicase 4; minus strand). Cytogenetic location: 8q24.3.
Variant type: single nucleotide variant.
Coding change: c.1726G>A on transcript NM_004260.4 (MANE Select); coding-DNA position 1726, G replaced by A.
Protein change: p.Val576Met; replaces valine 576 with methionine.
Molecular consequence: missense variant.
Genome position (GRCh38, 1-based): chr8:144,514,341, C>T on the plus strand (G>A on the coding strand, the complement: RECQL4 is on the minus strand). VCF-style: chr8-144514341-C-T. GRCh37 (hg19) VCF-style: chr8-145739725-C-T.
Other names: short protein forms V576M.
Identifiers: ClinVar variation 135132 (VCV000135132.10), dbSNP rs570331496, ClinGen allele CA161821.

ClinVar aggregate classification (germline): Uncertain significance. Review status: criteria provided, multiple submitters, no conflicts (2 of 4 stars). 3 submissions from 3 submitters: Uncertain significance (2). 1 of the submissions does not count toward it. Last evaluated 2026-01-08.

Conditions:
Baller-Gerold syndrome (BGS). Also called: CRANIOSYNOSTOSIS WITH RADIAL DEFECTS. Identifiers: Orphanet 1225, MedGen C0265308, MONDO:0009039, OMIM 218600.

Allele frequency attached by ClinVar (database versions not stated): gnomAD 0.00002 and 0.00003; gnomAD exomes 0.00003 and 0.00008; TOPMed 0.00004; ExAC 0.00005; 1000 Genomes Project 30x 0.00016; 1000 Genomes Project 0.00020.
gnomAD v4.1: 128 of 1,606,194 alleles (0.008%); highest among the groups gnomAD compares: Non-Finnish European, 0.01%; no homozygotes.

Submissions (3):

Labcorp Genetics (formerly Invitae), Labcorp
Classification: Uncertain significance for Baller-Gerold syndrome. Last evaluated: 2026-01-08. Review status: criteria provided, single submitter. Criteria: Invitae Variant Classification Sherloc (09022015). Collection method: clinical testing. Allele origin: germline.
Comment: This sequence change replaces valine, which is neutral and non-polar, with methionine, which is neutral and non-polar, at codon 576 of the RECQL4 protein (p.Val576Met). This variant is present in population databases (rs570331496, gnomAD 0.006%). This variant has not been reported in the literature in individuals affected with RECQL4-related conditions. ClinVar contains an entry for this variant (Variation ID: 135132). Invitae Evidence Modeling of protein sequence and biophysical properties (such as structural, functional, and spatial information, amino acid conservation, physicochemical variation, residue mobility, and thermodynamic stability) indicates that this missense variant is expected to disrupt RECQL4 protein function with a positive predictive value of 80%. In summary, the available evidence is currently insufficient to determine the role of this variant in disease. Therefore, it has been classified as a Variant of Uncertain Significance.

Revvity Omics, Revvity
Classification: Uncertain significance. Last evaluated: 2021-09-10. Review status: criteria provided, single submitter. Criteria: ACMG Guidelines, 2015. Collection method: clinical testing. Allele origin: germline.

ITMI
No classification provided. Condition: AllHighlyPenetrant. Last evaluated: 2013-09-19. Review status: no classification provided. Collection method: reference population. Allele origin: germline. Not counted in ClinVar's aggregate classification.
Comment: Please see associated publication for description of ethnicities

Literature cited by the submitters: PubMed 24728327 (cited by ITMI).